The following is an entry in ClinVar:

ClinVar aggregate classification (germline): Uncertain significance (1 of 4 stars; one submission).

Conditions:
Mosaic variegated aneuploidy syndrome 2 (MVA2). Identifiers: Orphanet 1052, MedGen C3279843, MONDO:0013582, OMIM 614114.

Allele frequency attached by ClinVar (database versions not stated): TOPMed 0.00001; gnomAD 0.00002; gnomAD exomes 0.00004.
gnomAD v4.1: 28 of 1,613,794 alleles (0.0017%); highest among the groups gnomAD compares: East Asian, 0.042%; no homozygotes.

Submission:

Labcorp Genetics (formerly Invitae), Labcorp
Classification: Uncertain significance for Mosaic variegated aneuploidy syndrome 2. Last evaluated: 2020-07-13. Review status: criteria provided, single submitter. Criteria: Invitae Variant Classification Sherloc (09022015). Collection method: clinical testing. Allele origin: germline.
Comment: This sequence change replaces glutamine with arginine at codon 194 of the CEP57 protein (p.Gln194Arg). The glutamine residue is highly conserved and there is a small physicochemical difference between glutamine and arginine. This variant is not present in population databases (ExAC no frequency). This variant has not been reported in the literature in individuals with CEP57-related conditions. Algorithms developed to predict the effect of missense changes on protein structure and function are either unavailable or do not agree on the potential impact of this missense change (SIFT: "Tolerated"; PolyPhen-2: "Probably Damaging"; Align-GVGD: "Class C0"). In summary, the available evidence is currently insufficient to determine the role of this variant in disease. Therefore, it has been classified as a Variant of Uncertain Significance.

NM_014679.5(CEP57):c.581A>G (p.Gln194Arg)

Gene: CEP57 (centrosomal protein 57; plus strand). Cytogenetic location: 11q21.
Variant type: single nucleotide variant.
Coding change: c.581A>G on transcript NM_014679.5 (MANE Select); coding-DNA position 581, A replaced by G.
Protein change: p.Gln194Arg; replaces glutamine 194 with arginine.
Molecular consequence: missense variant.
Genome position (GRCh38, 1-based): chr11:95,817,863, A>G. VCF-style: chr11-95817863-A-G. GRCh37 (hg19) VCF-style: chr11-95551027-A-G.
Other names: c.554A>G, p.Gln185Arg (NM_001243776.2); c.581A>G, p.Gln194Arg (NM_001243777.2); c.500A>G, p.Gln167Arg (NM_001363604.2); short protein forms Q167R, Q194R, Q185R.
Identifiers: ClinVar variation 936041 (VCV000936041.9), dbSNP rs1467274670, ClinGen allele CA16622058.